The following is an entry in ClinVar:

ClinVar aggregate classification (germline): Likely benign (0 of 4 stars; one submission).

Conditions:
TTC19-related disorder. Also called: TTC19-related condition.

Submission:

PreventionGenetics, part of Exact Sciences
Classification: Likely benign for TTC19-related condition. Last evaluated: 2020-01-02. Review status: no assertion criteria provided. Collection method: clinical testing. Allele origin: germline.
Comment: This variant is classified as likely benign based on ACMG/AMP sequence variant interpretation guidelines (Richards et al. 2015 PMID: 25741868, with internal and published modifications).

NM_017775.3(TTC19):c.-50G>T

Genes: TTC19 (tetratricopeptide repeat domain 19; plus strand), LOC130060311 (ATAC-STARR-seq lymphoblastoid silent region 8214; plus strand). Cytogenetic location: 17p12.
Variant type: single nucleotide variant.
Coding change: c.-50G>T on transcript NM_017775.3; 50 bases upstream of the start codon, G replaced by T.
Genome position (GRCh38, 1-based): chr17:15,999,799, G>T. VCF-style: chr17-15999799-G-T. GRCh37 (hg19) VCF-style: chr17-15903113-G-T.
Identifiers: ClinVar variation 3037618 (VCV003037618.2), dbSNP rs1043068170, ClinGen allele CA2249814902.